The following is an entry in ClinVar:

NM_003334.4(UBA1):c.1486G>A (p.Glu496Lys)

Gene: UBA1 (ubiquitin like modifier activating enzyme 1; plus strand). Cytogenetic location: Xp11.3.
Variant type: single nucleotide variant.
Coding change: c.1486G>A on transcript NM_003334.4 (MANE Select); coding-DNA position 1486, G replaced by A.
Protein change: p.Glu496Lys; replaces glutamic acid 496 with lysine.
Molecular consequence: missense variant.
Genome position (GRCh38, 1-based): chrX:47,203,607, G>A. VCF-style: chrX-47203607-G-A. GRCh37 (hg19) VCF-style: chrX-47063006-G-A.
Other names: c.1486G>A, p.Glu496Lys (NM_153280.3); short protein forms E496K.
Identifiers: ClinVar variation 368337 (VCV000368337.23), dbSNP rs140950898, ClinGen allele CA10395925.

ClinVar aggregate classification (germline): Conflicting classifications of pathogenicity. Review status: criteria provided, conflicting classifications (1 of 4 stars). 7 submissions from 7 submitters: Uncertain significance (1); Benign (2); Likely benign (2). 2 of the submissions do not count toward it. Last evaluated 2025-10-30.

Conditions:
Inborn genetic diseases. Identifiers: MedGen C0950123, MeSH D030342.
Infantile-onset X-linked spinal muscular atrophy. Also called: Spinal muscular atrophy, X-linked 2; AMC, DISTAL, X-LINKED; ARTHROGRYPOSIS, X-LINKED, TYPE I; SPINAL MUSCULAR ATROPHY, X-LINKED LETHAL INFANTILE; Spinal Muscular Atrophy, X-Linked Infantile. Identifiers: Orphanet 1145, MedGen C1844934, MONDO:0010532, OMIM 301830.

Allele frequency attached by ClinVar (database versions not stated): ExAC 0.00016; gnomAD exomes 0.00018 and 0.00060; TOPMed 0.00029; gnomAD 0.00031 and 0.00033; ESP Exome Variant Server 0.00047.
gnomAD v4.1: 676 of 1,209,070 alleles (0.056%); highest among the groups gnomAD compares: Non-Finnish European, 0.074%; no homozygotes.

Submissions (7):

Labcorp Genetics (formerly Invitae), Labcorp
Classification: Benign for Infantile-onset X-linked spinal muscular atrophy. Last evaluated: 2025-10-30. Review status: criteria provided, single submitter. Criteria: Invitae Variant Classification Sherloc (09022015). Collection method: clinical testing. Allele origin: germline.

Ambry Genetics
Classification: Likely benign for Inborn genetic diseases. Last evaluated: 2020-03-25. Review status: criteria provided, single submitter. Criteria: Ambry Variant Classification Scheme 2023. Collection method: clinical testing. Allele origin: germline.

Athena Diagnostics
Classification: Likely benign. Last evaluated: 2019-05-14. Review status: criteria provided, single submitter. Criteria: Athena Diagnostics Criteria. Collection method: clinical testing. Allele origin: germline.

Illumina Laboratory Services, Illumina
Classification: Benign for Infantile-onset X-linked spinal muscular atrophy. Last evaluated: 2018-01-12. Review status: criteria provided, single submitter. Criteria: ICSL Variant Classification Criteria 13 December 2019. Collection method: clinical testing. Allele origin: germline.
Comment: This variant was observed in the ICSL laboratory as part of a predisposition screen in an ostensibly healthy population. It had not been previously curated by ICSL or reported in the Human Gene Mutation Database (HGMD: prior to June 1st, 2018), and was therefore a candidate for classification through an automated scoring system. Utilizing variant allele frequency, disease prevalence and penetrance estimates, and inheritance mode, an automated score was calculated to assess if this variant is too frequent to cause the disease. Based on the score and internal cut-off values, a variant classified as benign is not then subjected to further curation. The score for this variant resulted in a classification of benign for this disease.

GeneDx
Classification: Uncertain significance. Last evaluated: 2017-08-16. Review status: criteria provided, single submitter. Criteria: GeneDx Variant Classification (06012015). Collection method: clinical testing. Allele origin: germline. Affected: yes.
Comment: The E496K variant has not been published as a pathogenic variant, nor has it been reported as a benign variant to our knowledge. The E496K variant is observed in 13/47,965 (0.03%) alleles from individuals of European background (Lek et al., 2016; 1000 Genomes Consortium et al., 2015; Exome Variant Server). This substitution occurs at a position where amino acids with similar properties to Glutamic acid are tolerated across species. However, this variant is a non-conservative amino acid substitution, which is likely to impact secondary protein structure as these residues differ in polarity, charge, size and/or other properties. In silico analysis is inconsistent in its predictions as to whether or not the variant is damaging to the protein structure/function.

Clinical Genetics DNA and cytogenetics Diagnostics Lab, Erasmus MC, Erasmus Medical Center
Classification: Likely benign. Review status: no assertion criteria provided. Collection method: clinical testing. Allele origin: germline. Affected: yes. Study: VKGL Data-share Consensus. Not counted in ClinVar's aggregate classification.

Clinical Genetics, Academic Medical Center
Classification: Likely benign. Review status: no assertion criteria provided. Collection method: clinical testing. Allele origin: germline. Affected: yes. Study: VKGL Data-share Consensus. Not counted in ClinVar's aggregate classification.